The following is an entry in ClinVar:

ClinVar aggregate classification (germline): Uncertain significance (1 of 4 stars; one submission).

gnomAD v4.1: 2 of 1,612,548 alleles (0.00012%); highest among the groups gnomAD compares: Admixed American, 0.0017%; no homozygotes.

Submission:

Labcorp Genetics (formerly Invitae), Labcorp
Classification: Uncertain significance. Last evaluated: 2024-05-21. Review status: criteria provided, single submitter. Criteria: Invitae Variant Classification Sherloc (09022015). Collection method: clinical testing. Allele origin: germline.
Comment: This sequence change replaces glycine, which is neutral and non-polar, with valine, which is neutral and non-polar, at codon 487 of the APPL1 protein (p.Gly487Val). This variant is not present in population databases (gnomAD no frequency). This variant has not been reported in the literature in individuals affected with APPL1-related conditions. Advanced modeling of protein sequence and biophysical properties (such as structural, functional, and spatial information, amino acid conservation, physicochemical variation, residue mobility, and thermodynamic stability) performed at Invitae indicates that this missense variant is not expected to disrupt APPL1 protein function with a negative predictive value of 80%. Algorithms developed to predict the effect of sequence changes on RNA splicing suggest that this variant may create or strengthen a splice site. In summary, the available evidence is currently insufficient to determine the role of this variant in disease. Therefore, it has been classified as a Variant of Uncertain Significance.

NM_012096.3(APPL1):c.1460G>T (p.Gly487Val)

Gene: APPL1 (adaptor protein, phosphotyrosine interacting with PH domain and leucine zipper 1; plus strand). Cytogenetic location: 3p14.3.
Variant type: single nucleotide variant.
Coding change: c.1460G>T on transcript NM_012096.3 (MANE Select); coding-DNA position 1460, G replaced by T.
Protein change: p.Gly487Val; replaces glycine 487 with valine.
Molecular consequence: missense variant.
Genome position (GRCh38, 1-based): chr3:57,259,057, G>T. VCF-style: chr3-57259057-G-T. GRCh37 (hg19) VCF-style: chr3-57293085-G-T.
Other names: short protein forms G487V.
Identifiers: ClinVar variation 3625780 (VCV003625780.2).
Genomic context (GRCh38, chr3:57,259,057, plus strand): 5'-ATGTGTTCATATTTTCTTCTAAACTTTTTAGGCGTACAAATCCATTTGGAGAATCTGGAG[G>T]AAGTACAAAATCTGAAACTGAAGGTAAGACAGATGTGCAGCATTCATATATTTTAGAACT-3'
Protein context (NP_036228.1, residues 477-497): RRTNPFGESG[Gly487Val]STKSETEDSI